The following is an entry in ClinVar:

ClinVar aggregate classification (germline): Uncertain significance (1 of 4 stars; one submission).

Conditions:
Multiple endocrine neoplasia, type 2 (MEN2). Identifiers: Orphanet 653, MedGen C4048306, MONDO:0019003. Disease mechanism: gain of function.

Submission:

Labcorp Genetics (formerly Invitae), Labcorp
Classification: Uncertain significance for Multiple endocrine neoplasia, type 2. Last evaluated: 2025-04-24. Review status: criteria provided, single submitter. Criteria: Invitae Variant Classification Sherloc (09022015). Collection method: clinical testing. Allele origin: germline.
Comment: This sequence change replaces valine, which is neutral and non-polar, with leucine, which is neutral and non-polar, at codon 412 of the RET protein (p.Val412Leu). This variant is not present in population databases (gnomAD no frequency). This variant has not been reported in the literature in individuals affected with RET-related conditions. An algorithm developed to predict the effect of missense changes on protein structure and function (PolyPhen-2) suggests that this variant is likely to be disruptive. In summary, the available evidence is currently insufficient to determine the role of this variant in disease. Therefore, it has been classified as a Variant of Uncertain Significance.

NM_020975.6(RET):c.1234G>T (p.Val412Leu)

Gene: RET (ret proto-oncogene; plus strand). Cytogenetic location: 10q11.21.
Variant type: single nucleotide variant.
Coding change: c.1234G>T on transcript NM_020975.6 (MANE Select); coding-DNA position 1234, G replaced by T.
Protein change: p.Val412Leu; replaces valine 412 with leucine.
Molecular consequence: missense variant. On other transcripts: intron variant (18).
Genome position (GRCh38, 1-based): chr10:43,109,201, G>T. VCF-style: chr10-43109201-G-T. GRCh37 (hg19) VCF-style: chr10-43604649-G-T.
Other names: c.472G>T, p.Val158Leu (NM_001355216.2); c.1234G>T, p.Val412Leu (NM_001406743.1, NM_001406744.1, NM_001406759.1 and 4 more transcripts); c.1105G>T, p.Val369Leu (NM_001406761.1, NM_001406762.1, NM_001406764.1 and 1 more transcripts); c.946G>T, p.Val316Leu (NM_001406766.1, NM_001406767.1, NM_001406770.1); c.796G>T, p.Val266Leu (NM_001406771.1, NM_001406773.1); c.508G>T, p.Val170Leu (NM_001406775.1, NM_001406776.1, NM_001406777.1 and 1 more transcripts); c.244G>T, p.Val82Leu (NM_001406784.1); c.868-2006G>T (NM_001406772.1, NM_001406769.1); and 5 more; short protein forms V170L, V316L, V369L, V158L, V266L, V412L, V82L.
Identifiers: ClinVar variation 4718286 (VCV004718286.1).